The following is an entry in ClinVar:

ClinVar aggregate classification (germline): Likely benign. Review status: reviewed by expert panel (3 of 4 stars). 2 submissions from 2 submitters: Likely benign (1). 1 of the submissions does not count toward it. Last evaluated 2024-07-11.

Conditions:
Hereditary thrombocytopenia and hematological cancer predisposition syndrome associated with RUNX1. Also called: RUNX1 Familial Platelet Disorder with Associated Myeloid Malignancies; Familial Platelet Disorder with Propensity to Acute Myelogenous Leukemia; PLATELET DISORDER, ASPIRIN-LIKE; Familial thrombocytopenia with propensity to acute myelogenous leukemia. Identifiers: Orphanet 71290, MedGen C1832388, MeSH C563324, MONDO:0100083, OMIM 601399.
Hereditary thrombocytopenia and hematologic cancer predisposition syndrome. Identifiers: Orphanet 71290, MedGen CN281654, MONDO:0011071.

Allele frequency attached by ClinVar (database versions not stated): gnomAD exomes below 0.00001; TOPMed 0.00001; gnomAD 0.00002.
gnomAD v4.1: 8 of 1,560,574 alleles (0.00051%); highest among the groups gnomAD compares: Non-Finnish European, 0.00071%; no homozygotes.

Submissions (2):

ClinGen Myeloid Malignancy Variant Curation Expert Panel
Classification: Likely benign for Hereditary thrombocytopenia and hematologic cancer predisposition syndrome. Last evaluated: 2024-07-11. Review status: reviewed by expert panel. Criteria: ClinGen MyeloMalig ACMG Specifications v2. Collection method: curation. Allele origin: germline. Inheritance: Autosomal dominant inheritance.
Comment: NM_001754.5(RUNX1):c.59-10G>T is an intronic variant which has a SpliceAI score ≤ 0.20 (0.11) (BP4). Evolutionary conservation algorithms predict the site as not being conserved (PhyloP score -1.023 < 2.0) or the variant is the reference nucleotide in one primate (BP7). This variant has not been reported in an individual meeting at least one of the RUNX1-phenotypic criteria. In summary, this variant meets the criteria to be classified as likely benign. ACMG/AMP criteria applied, as specified by the Myeloid Malignancy Variant Curation Expert Panel for RUNX1: BP7, BP4.

Labcorp Genetics (formerly Invitae), Labcorp
Classification: Likely benign for Hereditary thrombocytopenia and hematological cancer predisposition syndrome associated with RUNX1. Last evaluated: 2022-03-27. Review status: criteria provided, single submitter. Criteria: Invitae Variant Classification Sherloc (09022015). Collection method: clinical testing. Allele origin: germline. Not counted in ClinVar's aggregate classification.

NM_001754.5(RUNX1):c.59-10G>T

Gene: RUNX1 (RUNX family transcription factor 1; minus strand). Cytogenetic location: 21q22.12.
Variant type: single nucleotide variant.
Coding change: c.59-10G>T on transcript NM_001754.5 (MANE Select); 10 bases into the intron before coding-DNA position 59, G replaced by T.
Molecular consequence: intron variant.
Genome position (GRCh38, 1-based): chr21:34,892,973, C>A on the plus strand (G>T on the coding strand, the complement: RUNX1 is on the minus strand). VCF-style: chr21-34892973-C-A. GRCh37 (hg19) VCF-style: chr21-36265270-C-A.
Identifiers: ClinVar variation 730812 (VCV000730812.11), dbSNP rs1569090482, ClinGen allele CA637740591.